The following is an entry in ClinVar:

ClinVar aggregate classification (germline): Benign. Review status: criteria provided, multiple submitters, no conflicts (2 of 4 stars). 8 submissions from 7 submitters: Benign (8). Last evaluated 2026-02-02.

Conditions:
Brachydactyly type B1 (BDB1). Identifiers: Orphanet 572385, Orphanet 93383, MedGen C1862112, MONDO:0007220, OMIM 113000.
Autosomal recessive Robinow syndrome (RRS1). Also called: ROR2-Related Robinow Syndrome; COSTOVERTEBRAL SEGMENTATION DEFECT WITH MESOMELIA; COVESDEM SYNDROME; ROBINOW SYNDROME, AUTOSOMAL RECESSIVE 1. Identifiers: Orphanet 1507, Orphanet 97360, MedGen C5399974, MONDO:0009999, OMIM 268310.

Allele frequency attached by ClinVar (database versions not stated): gnomAD exomes 0.05578; ExAC 0.05816; 1000 Genomes Project 0.07208; 1000 Genomes Project 30x 0.07292; gnomAD 0.08673 and 0.09084; TOPMed 0.09289; ESP Exome Variant Server 0.10226.
gnomAD v4.1: 99,835 of 1,614,098 alleles (6.2%); highest among the groups gnomAD compares: African/African-American, 17%; 3,888 homozygotes.

Submissions (8):

Labcorp Genetics (formerly Invitae), Labcorp
Classification: Benign. Last evaluated: 2026-02-02. Review status: criteria provided, single submitter. Criteria: Invitae Variant Classification Sherloc (09022015). Collection method: clinical testing. Allele origin: germline.

Blueprint Genetics
Classification: Benign. Last evaluated: 2024-11-27. Review status: criteria provided, single submitter. Criteria: ACMG Guidelines, 2015. Collection method: clinical testing. Allele origin: germline.

GeneDx
Classification: Benign. Last evaluated: 2018-11-27. Review status: criteria provided, single submitter. Criteria: GeneDx Variant Classification Process June 2021. Collection method: clinical testing. Allele origin: germline. Affected: yes.

Illumina Laboratory Services, Illumina
Classification: Benign for Brachydactyly type B1. Last evaluated: 2018-01-13. Review status: criteria provided, single submitter. Criteria: ICSL Variant Classification Criteria 13 December 2019. Collection method: clinical testing. Allele origin: germline.
Comment: This variant was observed in the ICSL laboratory as part of a predisposition screen in an ostensibly healthy population. It had not been previously curated by ICSL or reported in the Human Gene Mutation Database (HGMD: prior to June 1st, 2018), and was therefore a candidate for classification through an automated scoring system. Utilizing variant allele frequency, disease prevalence and penetrance estimates, and inheritance mode, an automated score was calculated to assess if this variant is too frequent to cause the disease. Based on the score and internal cut-off values, a variant classified as benign is not then subjected to further curation. The score for this variant resulted in a classification of benign for this disease.

Illumina Laboratory Services, Illumina
Classification: Benign for Autosomal recessive Robinow syndrome. Last evaluated: 2018-01-13. Review status: criteria provided, single submitter. Criteria: ICSL Variant Classification Criteria 13 December 2019. Collection method: clinical testing. Allele origin: germline.
Comment: the same text as in the submission from Illumina Laboratory Services, Illumina above.

Genetic Services Laboratory, University of Chicago
Classification: Benign. Last evaluated: 2013-02-08. Review status: criteria provided, single submitter. Criteria: ACMG Guidelines, 2007. Collection method: clinical testing. Allele origin: germline. Inheritance: Autosomal recessive inheritance.

Breakthrough Genomics
Classification: Benign. Review status: criteria provided, single submitter. Criteria: ACMG Guidelines, 2015. Collection method: not provided. Allele origin: germline. Inheritance: Autosomal recessive inheritance. Affected: yes.

PreventionGenetics, part of Exact Sciences
Classification: Benign. Review status: criteria provided, single submitter. Criteria: ACMG Guidelines, 2015. Collection method: clinical testing. Allele origin: germline.

NM_004560.4(ROR2):c.498T>C (p.Asp166=)

Gene: ROR2 (ROR family WNT receptor 2; minus strand). Cytogenetic location: 9q22.31.
Variant type: single nucleotide variant.
Coding change: c.498T>C on transcript NM_004560.4 (MANE Select); coding-DNA position 498, T replaced by C.
Protein change: p.Asp166=; no amino-acid change (aspartic acid 166 retained).
Molecular consequence: synonymous variant.
Genome position (GRCh38, 1-based): chr9:91,737,515, A>G on the plus strand (T>C on the coding strand, the complement: ROR2 is on the minus strand). VCF-style: chr9-91737515-A-G. GRCh37 (hg19) VCF-style: chr9-94499797-A-G.
Other names: c.498T>C, p.Asp166= (NM_001318204.2).
Identifiers: ClinVar variation 159820 (VCV000159820.22), dbSNP rs16907720, ClinGen allele CA173330.
Genomic context (GRCh38, chr9:91,737,515, plus strand): 5'-AATGAAGCGTGCACAGGCAATTCCCCGGTAAGGCTGGCAGAACCCATCCTCGTGGTAATC[A>G]TCCCTGGTAAGAAACACACAAAGTCTGTTAGAGCTCTGGGAGGTGCCAGGTCCCGCCAAT-3'
Protein context (NP_004551.2, residues 156-176): PTHSPNHNFQ[Asp166=]DYHEDGFCQP